The following is an entry in ClinVar:

NM_001164665.2(KIAA1549):c.1418A>G (p.Glu473Gly)

Gene: KIAA1549 (KIAA1549; minus strand). Cytogenetic location: 7q34.
Variant type: single nucleotide variant.
Coding change: c.1418A>G on transcript NM_001164665.2 (MANE Select); coding-DNA position 1418, A replaced by G.
Protein change: p.Glu473Gly; replaces glutamic acid 473 with glycine.
Molecular consequence: missense variant.
Genome position (GRCh38, 1-based): chr7:138,918,208, T>C on the plus strand (A>G on the coding strand, the complement: KIAA1549 is on the minus strand). VCF-style: chr7-138918208-T-C. GRCh37 (hg19) VCF-style: chr7-138602954-T-C.
Other names: c.1418A>G, p.Glu473Gly (NM_020910.3); short protein forms E473G.
Identifiers: ClinVar variation 1009772 (VCV001009772.8), dbSNP rs1276774049, ClinGen allele CA369398792.

ClinVar aggregate classification (germline): Uncertain significance (1 of 4 stars; one submission).

Allele frequency attached by ClinVar (database versions not stated): gnomAD exomes below 0.00001; TOPMed below 0.00001; gnomAD 0.00001.
gnomAD v4.1: 1 of 1,613,984 alleles (0.000062%); highest among the groups gnomAD compares: African/African-American, 0.0013%; no homozygotes.

Submission:

Labcorp Genetics (formerly Invitae), Labcorp
Classification: Uncertain significance. Last evaluated: 2022-10-17. Review status: criteria provided, single submitter. Criteria: Invitae Variant Classification Sherloc (09022015). Collection method: clinical testing. Allele origin: germline.
Comment: ClinVar contains an entry for this variant (Variation ID: 1009772). This variant has not been reported in the literature in individuals affected with KIAA1549-related conditions. This variant is present in population databases (no rsID available, gnomAD 0.007%). This sequence change replaces glutamic acid, which is acidic and polar, with glycine, which is neutral and non-polar, at codon 473 of the KIAA1549 protein (p.Glu473Gly). In summary, the available evidence is currently insufficient to determine the role of this variant in disease. Therefore, it has been classified as a Variant of Uncertain Significance. Algorithms developed to predict the effect of missense changes on protein structure and function are either unavailable or do not agree on the potential impact of this missense change (SIFT: "Deleterious"; PolyPhen-2: "Possibly Damaging"; Align-GVGD: "Class C0").